The following is an entry in ClinVar:

ClinVar aggregate classification (germline): Uncertain significance. Review status: criteria provided, multiple submitters, no conflicts (2 of 4 stars). 2 submissions from 2 submitters: Uncertain significance (2). Last evaluated 2026-05-06.

Conditions:
Mucopolysaccharidosis, MPS-IV-A (MPS4A). Also called: Mucopolysaccharidosis type IV A; Mucopolysaccharidosis Type IVA; Morquio syndrome A, mild; MORQUIO SYNDROME A; MPS IVA; mucopolysaccharidosis type 4A. Identifiers: Orphanet 309297, Orphanet 582, MedGen C0086651, MONDO:0009659, OMIM 253000.

Submissions (2):

Women's Health and Genetics/Laboratory Corporation of America, LabCorp
Classification: Uncertain significance. Last evaluated: 2026-05-06. Review status: criteria provided, single submitter. Criteria: LabCorp Variant Classification Summary - May 2015. Collection method: clinical testing. Allele origin: germline.
Comment: Variant summary: GALNS c.780G>C (p.Glu260Asp) results in a conservative amino acid change in the encoded protein sequence. Algorithms developed to predict the effect of missense changes on protein structure and function are either unavailable or do not agree on the potential impact of this missense change. The variant was absent in 250336 control chromosomes. The available data on variant occurrences in the general population are insufficient to allow any conclusion about variant significance. c.780G>C has been observed in an individual affected with Mucopolysaccharidosis Type IVA (Morquio Syndrome A) (Tomatsu_2005). This report does not provide unequivocal conclusions about association of the variant with Mucopolysaccharidosis Type IVA (Morquio Syndrome A). To our knowledge, no experimental evidence demonstrating an impact on protein function has been reported. The following publication has been ascertained in the context of this evaluation (PMID: 16287098). ClinVar contains an entry for this variant (Variation ID: 1048305). Based on the evidence outlined above, the variant was classified as uncertain significance.

Laboratory of Diagnosis and Therapy of Lysosomal Disorders, University of Padova
Classification: Uncertain significance for Mucopolysaccharidosis, MPS-IV-A. Last evaluated: 2021-02-01. Review status: criteria provided, single submitter. Criteria: ACMG Guidelines, 2015. Collection method: curation. Allele origin: germline. Affected: yes.
Comment: Absent from gnomAD v2.1.1 (PM2_moderate); multiple lines of computational evidence support a deleterious effect on the gene (PP3_supporting)

Literature cited by the submitters: PubMed 16287098 (cited by Women's Health and Genetics/Laboratory Corporation of America, LabCorp and Laboratory of Diagnosis and Therapy of Lysosomal Disorders, University of Padova); PubMed 34387910 (cited by Laboratory of Diagnosis and Therapy of Lysosomal Disorders, University of Padova).

NM_000512.5(GALNS):c.780G>C (p.Glu260Asp)

Gene: GALNS (galactosamine (N-acetyl)-6-sulfatase; minus strand). Cytogenetic location: 16q24.3.
Variant type: single nucleotide variant.
Coding change: c.780G>C on transcript NM_000512.5 (MANE Select); coding-DNA position 780, G replaced by C.
Protein change: p.Glu260Asp; replaces glutamic acid 260 with aspartic acid.
Molecular consequence: missense variant.
Genome position (GRCh38, 1-based): chr16:88,835,331, C>G on the plus strand (G>C on the coding strand, the complement: GALNS is on the minus strand). VCF-style: chr16-88835331-C-G. GRCh37 (hg19) VCF-style: chr16-88901739-C-G.
Other names: c.225G>C, p.Glu75Asp (NM_001323543.2); c.798G>C, p.Glu266Asp (NM_001323544.2); short protein forms E260D, E266D, E75D.
Identifiers: ClinVar variation 1048305 (VCV001048305.4), dbSNP rs2143001191, ClinGen allele CA397078916.
Genomic context (GRCh38, chr16:88,835,331, plus strand): 5'-GTTGTCCGCGACGTGCAGGTCTTGGAGGAGCTCCAGTATCTTCCCAATGCTGTCATCAAT[C>G]TCCCGGACGGCGTCTCCATACCTGCAGGATGGTGACAAAAGGCATCTCCATACCTGGAGG-3'
Protein context (NP_000503.1, residues 250-270): QRGRYGDAVR[Glu260Asp]IDDSIGKILE